The following is an entry in ClinVar:

ClinVar aggregate classification (germline): Uncertain significance (1 of 4 stars; one submission).

Submission:

GeneDx
Classification: Uncertain significance. Last evaluated: 2022-08-23. Review status: criteria provided, single submitter. Criteria: GeneDx Variant Classification Process June 2021. Collection method: clinical testing. Allele origin: germline. Affected: yes.
Comment: Not observed at significant frequency in large population cohorts (gnomAD); In silico analysis supports that this missense variant has a deleterious effect on protein structure/function; Has not been previously published as pathogenic or benign to our knowledge.

NM_001961.4(EEF2):c.425T>C (p.Val142Ala)

Gene: EEF2 (eukaryotic translation elongation factor 2; minus strand). Cytogenetic location: 19p13.3.
Variant type: single nucleotide variant.
Coding change: c.425T>C on transcript NM_001961.4 (MANE Select); coding-DNA position 425, T replaced by C.
Protein change: p.Val142Ala; replaces valine 142 with alanine.
Molecular consequence: missense variant.
Genome position (GRCh38, 1-based): chr19:3,982,994, A>G on the plus strand (T>C on the coding strand, the complement: EEF2 is on the minus strand). VCF-style: chr19-3982994-A-G. GRCh37 (hg19) VCF-style: chr19-3982992-A-G.
Other names: short protein forms V142A.
Identifiers: ClinVar variation 2430941 (VCV002430941.1), dbSNP rs2512206597, ClinGen allele CA403394931.